The following is an entry in ClinVar:

NM_182914.3(SYNE2):c.17504A>G (p.Asp5835Gly)

Gene: SYNE2 (spectrin repeat containing nuclear envelope protein 2; plus strand). Cytogenetic location: 14q23.2.
Variant type: single nucleotide variant.
Coding change: c.17504A>G on transcript NM_182914.3 (MANE Select); coding-DNA position 17504, A replaced by G.
Protein change: p.Asp5835Gly; replaces aspartic acid 5835 with glycine.
Molecular consequence: missense variant.
Genome position (GRCh38, 1-based): chr14:64,177,431, A>G. VCF-style: chr14-64177431-A-G. GRCh37 (hg19) VCF-style: chr14-64644149-A-G.
Other names: c.17504A>G, p.Asp5835Gly (NM_015180.6); short protein forms D5835G.
Identifiers: ClinVar variation 654282 (VCV000654282.12), dbSNP rs147097998, ClinGen allele CA7223725.

ClinVar aggregate classification (germline): Uncertain significance. Review status: criteria provided, multiple submitters, no conflicts (2 of 4 stars). 3 submissions from 3 submitters: Uncertain significance (3). Last evaluated 2025-10-06.

Conditions:
Emery-Dreifuss muscular dystrophy 5, autosomal dominant (EDMD5). Also called: EMERY-DREIFUSS MUSCULAR DYSTROPHY 5. Identifiers: Orphanet 261, MedGen C2751805, MONDO:0013072, OMIM 612999.

Allele frequency attached by ClinVar (database versions not stated): ExAC 0.00002; gnomAD exomes 0.00003 and 0.00005; gnomAD 0.00004 and 0.00005; TOPMed 0.00006; ESP Exome Variant Server 0.00008.
gnomAD v4.1: 56 of 1,614,064 alleles (0.0035%); highest among the groups gnomAD compares: Admixed American, 0.017%; no homozygotes.

Submissions (3):

Labcorp Genetics (formerly Invitae), Labcorp
Classification: Uncertain significance for Emery-Dreifuss muscular dystrophy 5, autosomal dominant. Last evaluated: 2025-10-06. Review status: criteria provided, single submitter. Criteria: Invitae Variant Classification Sherloc (09022015). Collection method: clinical testing. Allele origin: germline.
Comment: This sequence change replaces aspartic acid, which is acidic and polar, with glycine, which is neutral and non-polar, at codon 5835 of the SYNE2 protein (p.Asp5835Gly). This variant is present in population databases (rs147097998, gnomAD 0.02%). This variant has not been reported in the literature in individuals affected with SYNE2-related conditions. ClinVar contains an entry for this variant (Variation ID: 654282). An algorithm developed to predict the effect of missense changes on protein structure and function (PolyPhen-2) suggests that this variant is likely to be tolerated. In summary, the available evidence is currently insufficient to determine the role of this variant in disease. Therefore, it has been classified as a Variant of Uncertain Significance.

Ambry Genetics
Classification: Uncertain significance. Last evaluated: 2025-03-22. Review status: criteria provided, single submitter. Criteria: Ambry Variant Classification Scheme 2023. Collection method: clinical testing. Allele origin: germline.

Revvity Omics, Revvity
Classification: Uncertain significance for Emery-Dreifuss muscular dystrophy 5, autosomal dominant. Last evaluated: 2019-10-29. Review status: criteria provided, single submitter. Criteria: ACMG Guidelines, 2015. Collection method: clinical testing. Allele origin: germline.